The following is an entry in ClinVar:

ClinVar aggregate classification (germline): Uncertain significance (1 of 4 stars; one submission).

Submission:

GeneDx
Classification: Uncertain significance. Last evaluated: 2021-10-11. Review status: criteria provided, single submitter. Criteria: GeneDx Variant Classification Process June 2021. Collection method: clinical testing. Allele origin: germline. Affected: yes.
Comment: Not observed in large population cohorts (Lek et al., 2016); In silico analysis supports that this missense variant has a deleterious effect on protein structure/function; Has not been previously published as pathogenic or benign to our knowledge

NM_018896.5(CACNA1G):c.1996A>T (p.Ser666Cys)

Gene: CACNA1G (calcium voltage-gated channel subunit alpha1 G; plus strand). Cytogenetic location: 17q21.33.
Variant type: single nucleotide variant.
Coding change: c.1996A>T on transcript NM_018896.5 (MANE Select); coding-DNA position 1996, A replaced by T.
Protein change: p.Ser666Cys; replaces serine 666 with cysteine.
Molecular consequence: missense variant. On other transcripts: non-coding transcript variant (5).
Genome position (GRCh38, 1-based): chr17:50,578,259, A>T. VCF-style: chr17-50578259-A-T. GRCh37 (hg19) VCF-style: chr17-48655620-A-T.
Other names: c.1996A>T, p.Ser666Cys (NM_001256324.2, NM_001256325.2, NM_001256326.2 and 24 more transcripts); short protein forms S666C.
Identifiers: ClinVar variation 1302437 (VCV001302437.2), dbSNP rs2144985218, ClinGen allele CA400242693.
Genomic context (GRCh38, chr17:50,578,259, plus strand): 5'-AGCTCTTGCAAGATCTCCAGCCCTTGCTTGAAAGCAGACAGTGGAGCCTGTGGTCCAGAC[A>T]GCTGCCCCTACTGTGCCCGGGCCGGGGCAGGGGAGGTGGAGCTCGCCGACCGTGAAATGC-3'
Protein context (NP_061496.2, residues 656-676): KADSGACGPD[Ser666Cys]CPYCARAGAG